The following is an entry in ClinVar:

ClinVar aggregate classification (germline): Conflicting classifications of pathogenicity. Review status: criteria provided, conflicting classifications (1 of 4 stars). 7 submissions from 7 submitters: Uncertain significance (1); Likely benign (5). 1 of the submissions does not count toward it. Last evaluated 2026-01-28.

Conditions:
Autosomal recessive limb-girdle muscular dystrophy type 2F (LGMDR6). Also called: Muscular dystrophy limb-girdle with delta-sarcoglyan deficiency; MUSCULAR DYSTROPHY, LIMB-GIRDLE, AUTOSOMAL RECESSIVE 6. Identifiers: Orphanet 219, MedGen C1832525, MONDO:0011028, OMIM 601287. Disease mechanism: Affects gamma-sarcoglycan and also disrupts the integrity of the entire sarcoglycan complex..
Dilated cardiomyopathy 1L (CMD1L). Identifiers: Orphanet 154, MedGen C1847667, MONDO:0011702, OMIM 606685.

Allele frequency attached by ClinVar (database versions not stated): gnomAD 0.00006 and 0.00007; ExAC 0.00008; TOPMed 0.00008; gnomAD exomes 0.00012; 1000 Genomes Project 30x 0.00016; 1000 Genomes Project 0.00020.
gnomAD v4.1: 70 of 1,611,946 alleles (0.0043%); highest among the groups gnomAD compares: Admixed American, 0.05%; no homozygotes.

Submissions (7):

Labcorp Genetics (formerly Invitae), Labcorp
Classification: Likely benign for Autosomal recessive limb-girdle muscular dystrophy type 2F. Last evaluated: 2026-01-28. Review status: criteria provided, single submitter. Criteria: Invitae Variant Classification Sherloc (09022015). Collection method: clinical testing. Allele origin: germline.

Blueprint Genetics
Classification: Likely benign. Last evaluated: 2024-10-15. Review status: criteria provided, single submitter. Criteria: ACMG Guidelines, 2015. Collection method: clinical testing. Allele origin: germline.

GeneDx
Classification: Likely benign. Last evaluated: 2021-03-24. Review status: criteria provided, single submitter. Criteria: GeneDx Variant Classification Process June 2021. Collection method: clinical testing. Allele origin: germline. Affected: yes.

Eurofins Ntd Llc (ga)
Classification: Uncertain significance. Last evaluated: 2016-08-29. Review status: criteria provided, single submitter. Criteria: EGL Classification Definitions 2015. Collection method: clinical testing. Allele origin: germline. Observed: 1 variant allele, 1 heterozygote.

Laboratory for Molecular Medicine, Mass General Brigham Personalized Medicine
Classification: Likely benign. Last evaluated: 2012-07-31. Review status: criteria provided, single submitter. Criteria: LMM Criteria. Collection method: clinical testing. Allele origin: germline. Observed: 1 variant allele.
Comment: Tyr23Tyr in exon 03 of SGCD: This variant is not expected to have clinical signi ficance because it does not alter an amino acid residue and is not located withi n the splice consensus sequence. Tyr23Tyr in exon 03 of SGCD (allele frequency = n/a)

PreventionGenetics, part of Exact Sciences
Classification: Likely benign. Review status: criteria provided, single submitter. Criteria: ACMG Guidelines, 2015. Collection method: clinical testing. Allele origin: germline.

Counsyl
Classification: Likely benign for Dilated cardiomyopathy 1L; Autosomal recessive limb-girdle muscular dystrophy type 2F. Last evaluated: 2017-03-02. Review status: no assertion criteria provided. Collection method: clinical testing. Allele origin: unknown. Not counted in ClinVar's aggregate classification.

NM_000337.6(SGCD):c.69C>T (p.Tyr23=)

Gene: SGCD (sarcoglycan delta; plus strand). Cytogenetic location: 5q33.3.
Variant type: single nucleotide variant.
Coding change: c.69C>T on transcript NM_000337.6 (MANE Select); coding-DNA position 69, C replaced by T.
Protein change: p.Tyr23=; no amino-acid change (tyrosine 23 retained).
Molecular consequence: synonymous variant.
Genome position (GRCh38, 1-based): chr5:156,344,554, C>T. VCF-style: chr5-156344554-C-T. GRCh37 (hg19) VCF-style: chr5-155771564-C-T.
Other names: c.66C>T, p.Tyr22= (NM_001128209.2); c.69C>T, p.Tyr23= (NM_172244.3).
Identifiers: ClinVar variation 48121 (VCV000048121.24), dbSNP rs397517923, ClinGen allele CA142638.